The following is an entry in ClinVar:

NM_020921.4(NIN):c.4143T>A (p.His1381Gln)

Gene: NIN (ninein; minus strand). Cytogenetic location: 14q22.1.
Variant type: single nucleotide variant.
Coding change: c.4143T>A on transcript NM_020921.4 (MANE Select); coding-DNA position 4143, T replaced by A.
Protein change: p.His1381Gln; replaces histidine 1381 with glutamine.
Molecular consequence: missense variant. On other transcripts: intron variant (1).
Genome position (GRCh38, 1-based): chr14:50,756,887, A>T on the plus strand (T>A on the coding strand, the complement: NIN is on the minus strand). VCF-style: chr14-50756887-A-T. GRCh37 (hg19) VCF-style: chr14-51223605-A-T.
Other names: c.4143T>A, p.His1381Gln (NM_182944.3, NM_182946.2); c.2400-2020T>A (NM_016350.5); short protein forms H1381Q.
Identifiers: ClinVar variation 2164144 (VCV002164144.4), dbSNP rs2042049968, ClinGen allele CA389693948.

ClinVar aggregate classification (germline): Uncertain significance (1 of 4 stars; one submission).

Allele frequency attached by ClinVar (database versions not stated): TOPMed 0.00001.

Submission:

Labcorp Genetics (formerly Invitae), Labcorp
Classification: Uncertain significance. Last evaluated: 2022-08-05. Review status: criteria provided, single submitter. Criteria: Invitae Variant Classification Sherloc (09022015). Collection method: clinical testing. Allele origin: germline.
Comment: This sequence change replaces histidine, which is basic and polar, with glutamine, which is neutral and polar, at codon 1381 of the NIN protein (p.His1381Gln). This variant is not present in population databases (gnomAD no frequency). This variant has not been reported in the literature in individuals affected with NIN-related conditions. Algorithms developed to predict the effect of missense changes on protein structure and function output the following: SIFT: "Tolerated"; PolyPhen-2: "Benign"; Align-GVGD: "Class C0". The glutamine amino acid residue is found in multiple mammalian species, which suggests that this missense change does not adversely affect protein function. In summary, the available evidence is currently insufficient to determine the role of this variant in disease. Therefore, it has been classified as a Variant of Uncertain Significance.